The following is an entry in ClinVar:

NM_003002.4(SDHD):c.268G>T (p.Ala90Ser)

Gene: SDHD (succinate dehydrogenase complex subunit D; plus strand). Cytogenetic location: 11q23.1.
Variant type: single nucleotide variant.
Coding change: c.268G>T on transcript NM_003002.4 (MANE Select); coding-DNA position 268, G replaced by T.
Protein change: p.Ala90Ser; replaces alanine 90 with serine.
Molecular consequence: missense variant. On other transcripts: non-coding transcript variant (1), intron variant (1).
Genome position (GRCh38, 1-based): chr11:112,088,965, G>T. VCF-style: chr11-112088965-G-T. GRCh37 (hg19) VCF-style: chr11-111959689-G-T.
Other names: c.151G>T, p.Ala51Ser (NM_001276504.2); c.268G>T, p.Ala90Ser (NM_001276506.2); c.169+992G>T (NM_001276503.2); short protein forms A51S, A90S.
Identifiers: ClinVar variation 1794788 (VCV001794788.3), dbSNP rs765102002, ClinGen allele CA070961.

ClinVar aggregate classification (germline): Uncertain significance. Review status: criteria provided, multiple submitters, no conflicts (2 of 4 stars). 2 submissions from 2 submitters: Uncertain significance (2). Last evaluated 2024-02-24.

Conditions:
Hereditary pheochromocytoma and paraganglioma. Also called: Hereditary paragangliomas and pheochromocytomas; Hereditary Paraganglioma-Pheochromocytoma Syndromes; Hereditary pheochromocytoma-paraganglioma. Identifiers: Orphanet 29072, MedGen C4274332, MONDO:0017366.
Hereditary cancer-predisposing syndrome. Also called: Tumor predisposition; Hereditary Cancer Syndrome; Hereditary neoplastic syndrome; Neoplastic Syndromes, Hereditary. Identifiers: Orphanet 140162, MedGen C0027672, MeSH D009386, MONDO:0015356.

Allele frequency attached by ClinVar (database versions not stated): ExAC 0.00002.

Submissions (2):

Ambry Genetics
Classification: Uncertain significance for Hereditary cancer-predisposing syndrome. Last evaluated: 2024-02-24. Review status: criteria provided, single submitter. Criteria: Ambry Variant Classification Scheme 2023. Collection method: clinical testing. Allele origin: germline.
Comment: The p.A90S variant (also known as c.268G>T), located in coding exon 3 of the SDHD gene, results from a G to T substitution at nucleotide position 268. The alanine at codon 90 is replaced by serine, an amino acid with similar properties. This amino acid position is conserved. In addition, the in silico prediction for this alteration is inconclusive. Since supporting evidence is limited at this time, the clinical significance of this alteration remains unclear.

All of Us Research Program, National Institutes of Health
Classification: Uncertain significance for Hereditary pheochromocytoma and paraganglioma. Last evaluated: 2023-12-13. Review status: criteria provided, single submitter. Criteria: ACMG Guidelines, 2015. Collection method: clinical testing. Allele origin: germline. Inheritance: Autosomal dominant inheritance. Observed: 2 variant alleles, 2 heterozygotes.
Comment: This missense variant replaces alanine with serine at codon 90 of the SDHD protein. Computational prediction is inconclusive regarding the impact of this variant on protein structure and function (internally defined REVEL score threshold 0.5 < inconclusive < 0.7, PMID: 27666373). To our knowledge, functional studies have not been reported for this variant. This variant has not been reported in individuals affected with SDHD-related disorders in the literature. This variant has been identified in 2/251460 chromosomes in the general population by the Genome Aggregation Database (gnomAD). The available evidence is insufficient to determine the role of this variant in disease conclusively. Therefore, this variant is classified as a Variant of Uncertain Significance.

This study involves interpretation of variants in research participants for the purpose of population health screening. Participant phenotype was not available at the time of variant classification. Additional details can be found in publication PMID: 35346344, PMCID: PMC8962531